The following is an entry in ClinVar:

NM_006302.3(MOGS):c.1322G>A (p.Arg441Gln)

Gene: MOGS (mannosyl-oligosaccharide glucosidase; minus strand). Cytogenetic location: 2p13.1.
Variant type: single nucleotide variant.
Coding change: c.1322G>A on transcript NM_006302.3 (MANE Select); coding-DNA position 1322, G replaced by A.
Protein change: p.Arg441Gln; replaces arginine 441 with glutamine.
Molecular consequence: missense variant.
Genome position (GRCh38, 1-based): chr2:74,462,467, C>T on the plus strand (G>A on the coding strand, the complement: MOGS is on the minus strand). VCF-style: chr2-74462467-C-T. GRCh37 (hg19) VCF-style: chr2-74689594-C-T.
Other names: c.1322G>A, p.Arg441Gln (LRG_1226t1); c.1004G>A, p.Arg335Gln (NM_001146158.2); short protein forms R441Q, R335Q.
Identifiers: ClinVar variation 651030 (VCV000651030.10), dbSNP rs745360345, ClinGen allele CA1724802.

ClinVar aggregate classification (germline): Uncertain significance. Review status: criteria provided, multiple submitters, no conflicts (2 of 4 stars). 2 submissions from 2 submitters: Uncertain significance (2). Last evaluated 2025-12-22.

Conditions:
MOGS-congenital disorder of glycosylation. Also called: CDG IIb; GLUCOSIDASE I DEFICIENCY; MOGS-CDG; CDG 2B. Identifiers: Orphanet 79330, MedGen C1853736, MONDO:0011629, OMIM 606056.
Inborn genetic diseases. Identifiers: MedGen C0950123, MeSH D030342.

Allele frequency attached by ClinVar (database versions not stated): ExAC 0.00001; gnomAD 0.00001; gnomAD exomes 0.00001; TOPMed 0.00002.

Submissions (2):

Labcorp Genetics (formerly Invitae), Labcorp
Classification: Uncertain significance for MOGS-congenital disorder of glycosylation. Last evaluated: 2025-12-22. Review status: criteria provided, single submitter. Criteria: Invitae Variant Classification Sherloc (09022015). Collection method: clinical testing. Allele origin: germline.
Comment: This sequence change replaces arginine, which is basic and polar, with glutamine, which is neutral and polar, at codon 441 of the MOGS protein (p.Arg441Gln). This variant is present in population databases (rs745360345, gnomAD 0.003%). This variant has not been reported in the literature in individuals affected with MOGS-related conditions. ClinVar contains an entry for this variant (Variation ID: 651030). Invitae Evidence Modeling of protein sequence and biophysical properties (such as structural, functional, and spatial information, amino acid conservation, physicochemical variation, residue mobility, and thermodynamic stability) indicates that this missense variant is expected to disrupt MOGS protein function with a positive predictive value of 80%. In summary, the available evidence is currently insufficient to determine the role of this variant in disease. Therefore, it has been classified as a Variant of Uncertain Significance.

Ambry Genetics
Classification: Uncertain significance for Inborn genetic diseases. Last evaluated: 2025-02-05. Review status: criteria provided, single submitter. Criteria: Ambry Variant Classification Scheme 2023. Collection method: clinical testing. Allele origin: germline.